The following is an entry in ClinVar:

NM_000361.3(THBD):c.764C>T (p.Ala255Val)

Gene: THBD (thrombomodulin; minus strand). Cytogenetic location: 20p11.21.
Variant type: single nucleotide variant.
Coding change: c.764C>T on transcript NM_000361.3 (MANE Select); coding-DNA position 764, C replaced by T.
Protein change: p.Ala255Val; replaces alanine 255 with valine.
Molecular consequence: missense variant.
Genome position (GRCh38, 1-based): chr20:23,048,741, G>A on the plus strand (C>T on the coding strand, the complement: THBD is on the minus strand). VCF-style: chr20-23048741-G-A. GRCh37 (hg19) VCF-style: chr20-23029378-G-A.
Other names: short protein forms A255V.
Identifiers: ClinVar variation 3677482 (VCV003677482.2).

ClinVar aggregate classification (germline): Uncertain significance (1 of 4 stars; one submission).

Submission:

Labcorp Genetics (formerly Invitae), Labcorp
Classification: Uncertain significance. Last evaluated: 2024-09-14. Review status: criteria provided, single submitter. Criteria: Invitae Variant Classification Sherloc (09022015). Collection method: clinical testing. Allele origin: germline.
Comment: This sequence change replaces alanine, which is neutral and non-polar, with valine, which is neutral and non-polar, at codon 255 of the THBD protein (p.Ala255Val). This variant is not present in population databases (gnomAD no frequency). This variant has not been reported in the literature in individuals affected with THBD-related conditions. Invitae Evidence Modeling of protein sequence and biophysical properties (such as structural, functional, and spatial information, amino acid conservation, physicochemical variation, residue mobility, and thermodynamic stability) indicates that this missense variant is not expected to disrupt THBD protein function with a negative predictive value of 80%. In summary, the available evidence is currently insufficient to determine the role of this variant in disease. Therefore, it has been classified as a Variant of Uncertain Significance.